The following is an entry in ClinVar:

ClinVar aggregate classification (germline): Uncertain significance (1 of 4 stars; one submission).

Conditions:
Methylmalonic acidemia due to transcobalamin receptor defect (MATR). Also called: METHYLMALONIC ACIDURIA, TRANSIENT, DUE TO TRANSCOBALAMIN RECEPTOR DEFECT; METHYLMALONIC ACIDEMIA, TCblR TYPE. Identifiers: Orphanet 280183, MedGen C4749905, MONDO:0013341, OMIM 613646.

gnomAD v4.1: 9 of 1,614,010 alleles (0.00056%); highest among the groups gnomAD compares: African/African-American, 0.0013%; no homozygotes.

Submission:

Labcorp Genetics (formerly Invitae), Labcorp
Classification: Uncertain significance for Methylmalonic acidemia due to transcobalamin receptor defect. Last evaluated: 2024-02-01. Review status: criteria provided, single submitter. Criteria: Invitae Variant Classification Sherloc (09022015). Collection method: clinical testing. Allele origin: germline.
Comment: This sequence change replaces threonine, which is neutral and polar, with proline, which is neutral and non-polar, at codon 227 of the CD320 protein (p.Thr227Pro). This variant is present in population databases (rs766740010, gnomAD 0.002%). This variant has not been reported in the literature in individuals affected with CD320-related conditions. An algorithm developed to predict the effect of missense changes on protein structure and function (PolyPhen-2) suggests that this variant is likely to be tolerated. In summary, the available evidence is currently insufficient to determine the role of this variant in disease. Therefore, it has been classified as a Variant of Uncertain Significance.

NM_016579.4(CD320):c.679A>C (p.Thr227Pro)

Gene: CD320 (CD320 molecule; minus strand). Cytogenetic location: 19p13.2.
Variant type: single nucleotide variant.
Coding change: c.679A>C on transcript NM_016579.4 (MANE Select); coding-DNA position 679, A replaced by C.
Protein change: p.Thr227Pro; replaces threonine 227 with proline.
Molecular consequence: missense variant.
Genome position (GRCh38, 1-based): chr19:8,302,804, T>G on the plus strand (A>C on the coding strand, the complement: CD320 is on the minus strand). VCF-style: chr19-8302804-T-G. GRCh37 (hg19) VCF-style: chr19-8367688-T-G.
Other names: c.553A>C, p.Thr185Pro (NM_001165895.2); short protein forms T185P, T227P.
Identifiers: ClinVar variation 3627919 (VCV003627919.2).
Genomic context (GRCh38, chr19:8,302,804, plus strand): 5'-AGCCCCCAGCATGGGAGGGTAAGTCCCTCTTACCAGCAGCTGCAATAACCCCATAGGCAG[T>G]TGGGCTTCCAGACTGGTCTCCGGCAGAGGAGGATGTGGCATTCCCGACAGAGGGGACACT-3'
Protein context (NP_057663.1, residues 217-237): SSAGDQSGSP[Thr227Pro]AYGVIAAAAV